The following is an entry in ClinVar:

NM_006662.3(SRCAP):c.8299C>T (p.Arg2767Trp)

Gene: SRCAP (Snf2 related CREBBP activator protein; plus strand). Cytogenetic location: 16p11.2.
Variant type: single nucleotide variant.
Coding change: c.8299C>T on transcript NM_006662.3 (MANE Select); coding-DNA position 8299, C replaced by T.
Protein change: p.Arg2767Trp; replaces arginine 2767 with tryptophan.
Molecular consequence: missense variant.
Genome position (GRCh38, 1-based): chr16:30,738,339, C>T. VCF-style: chr16-30738339-C-T. GRCh37 (hg19) VCF-style: chr16-30749660-C-T.
Other names: short protein forms R2767W.
Identifiers: ClinVar variation 4083160 (VCV004083160.1).

ClinVar aggregate classification (germline): Uncertain significance (1 of 4 stars; one submission).

Submission:

GeneDx
Classification: Uncertain significance. Last evaluated: 2025-03-07. Review status: criteria provided, single submitter. Criteria: GeneDx Variant Classification Process June 2021. Collection method: clinical testing. Allele origin: germline. Affected: yes.
Comment: In silico analysis supports that this missense variant has a deleterious effect on protein structure/function; Has not been previously published as pathogenic or benign to our knowledge